The following is an entry in ClinVar:

ClinVar aggregate classification (germline): Pathogenic (1 of 4 stars; one submission).

Submission:

CeGaT Center for Human Genetics Tuebingen
Classification: Pathogenic. Last evaluated: 2022-04-01. Review status: criteria provided, single submitter. Criteria: CeGaT Center For Human Genetics Tuebingen Variant Classification Criteria Version 2. Collection method: clinical testing. Allele origin: germline. Affected: yes. Observed: 1 variant allele.
Comment: CNOT3: PVS1, PM2, PS2:Supporting

NM_014516.4(CNOT3):c.1373del (p.Pro458fs)

Gene: CNOT3 (CCR4-NOT transcription complex subunit 3; plus strand). Cytogenetic location: 19q13.42.
Variant type: Deletion.
Coding change: c.1373del on transcript NM_014516.4 (MANE Select); coding-DNA position 1373, one base deleted (C; older notation c.1373delC).
Protein change: p.Pro458fs; shifts the reading frame from proline 458.
Molecular consequence: frameshift variant.
Genome position (GRCh38, 1-based): chr19:54,148,710, C deleted; the last of 6 consecutive C bases (chr19:54,148,705-54,148,710); deleting any one gives the same sequence. VCF-style (leftmost placement, unchanged base first): chr19-54148704-GC-G. GRCh37 (hg19) VCF-style: chr19-54652439-GC-G.
Other names: short protein forms P458fs.
Identifiers: ClinVar variation 1694942 (VCV001694942.31), dbSNP rs1213228037, ClinGen allele CA645609865.